The following is an entry in ClinVar:

ClinVar aggregate classification (germline): Uncertain significance (1 of 4 stars; one submission).

Conditions:
Sifrim-Hitz-Weiss syndrome (SIHIWES). Also called: CHD4 Neurodevelopmental Disorder; SIFRIM-HITZ-WEISS MULTIPLE CONGENITAL ANOMALIES-MENTAL RETARDATION SYNDROME. Identifiers: Orphanet 653712, MedGen C4310688, MONDO:0014946, OMIM 617159.

Submission:

Victorian Clinical Genetics Services, Murdoch Childrens Research Institute
Classification: Uncertain significance for Sifrim-Hitz-Weiss syndrome. Last evaluated: 2025-07-14. Review status: criteria provided, single submitter. Criteria: ACMG Guidelines, 2015. Collection method: clinical testing. Allele origin: germline. Affected: yes.
Comment: This variant is classified as VUS-3B. Evidence in support of pathogenic classification: Variant is absent from gnomAD (v2, v3 and v4); Missense variant predicted to be damaging by in silico tool(s) or highly conserved with a major amino acid change. Additional information: Variant is predicted to result in a missense amino acid change from Pro to Leu; This variant is heterozygous; This gene is associated with autosomal dominant disease; Alternative amino acid change(s) at the same position are present in gnomAD (highest allele count: v4: 7 heterozygote(s), 0 homozygote(s)); This variant has no previous evidence of pathogenicity; No published evidence of segregation with disease has been identified for this variant; No published functional evidence has been identified for this variant; Another missense variant comparable to the one identified in this case has inconclusive previous evidence for pathogenicity. The p.(Pro1811Thr) variant has been classified as a VUS by a clinical laboratory (ClinVar); Variant is located in the annotated CHDCT2 domain (DECIPHER); The mechanism of disease for this gene is not clearly established. The mechanism of disease for Sifrim-Hitz-Weiss syndrome (MIM#617159) is suggested to be dominant negative or gain of function (PMID: 31388190). Protein truncating variants have been reported; however, these cases lack consistent clinical features with the disease mechanism remaining unclear (PMID: 31388190, 31474762); Variants in this gene are known to have variable expressivity (OMIM; PMID: 31388190).

Literature cited by the submitters: PubMed 31474762; PubMed 31388190.

NM_001273.5(CHD4):c.5432C>T (p.Pro1811Leu)

Genes: CHD4 (chromodomain helicase DNA binding protein 4; minus strand), CHD4-AS1 (CHD4 antisense RNA 1; plus strand). Cytogenetic location: 12p13.31.
Variant type: single nucleotide variant.
Coding change: c.5432C>T on transcript NM_001273.5 (MANE Select); coding-DNA position 5432, C replaced by T.
Protein change: p.Pro1811Leu; replaces proline 1811 with leucine.
Molecular consequence: missense variant.
Genome position (GRCh38, 1-based): chr12:6,573,199, G>A on the plus strand (C>T on the coding strand, the complement: CHD4 is on the minus strand). VCF-style: chr12-6573199-G-A. GRCh37 (hg19) VCF-style: chr12-6682365-G-A.
Other names: c.5399C>T, p.Pro1800Leu (NM_001363606.2); c.5411C>T, p.Pro1804Leu (NM_001297553.2); short protein forms P1800L, P1804L, P1811L.
Identifiers: ClinVar variation 1804930 (VCV001804930.4), dbSNP rs2540364500, ClinGen allele CA383636118.